The following is an entry in ClinVar:

NM_006766.5(KAT6A):c.502C>T (p.Arg168Trp)

Gene: KAT6A (lysine acetyltransferase 6A; minus strand). Cytogenetic location: 8p11.21.
Variant type: single nucleotide variant.
Coding change: c.502C>T on transcript NM_006766.5 (MANE Select); coding-DNA position 502, C replaced by T.
Protein change: p.Arg168Trp; replaces arginine 168 with tryptophan.
Molecular consequence: missense variant.
Genome position (GRCh38, 1-based): chr8:42,048,476, G>A on the plus strand (C>T on the coding strand, the complement: KAT6A is on the minus strand). VCF-style: chr8-42048476-G-A. GRCh37 (hg19) VCF-style: chr8-41905994-G-A.
Other names: c.502C>T, p.Arg168Trp (NM_001305878.2); short protein forms R168W.
Identifiers: ClinVar variation 1693046 (VCV001693046.10), dbSNP rs369777293, ClinGen allele CA4730417.

ClinVar aggregate classification (germline): Conflicting classifications of pathogenicity. Review status: criteria provided, conflicting classifications (1 of 4 stars). 3 submissions from 3 submitters: Uncertain significance (1); Likely benign (2). Last evaluated 2025-11-03.

Conditions:
Inborn genetic diseases. Identifiers: MedGen C0950123, MeSH D030342.

Allele frequency attached by ClinVar (database versions not stated): gnomAD 0.00003; ExAC 0.00002; ESP Exome Variant Server 0.00008; gnomAD exomes 0.00002.
gnomAD v4.1: 63 of 1,613,968 alleles (0.0039%); highest among the groups gnomAD compares: African/African-American, 0.008%; no homozygotes.

Submissions (3):

Ambry Genetics
Classification: Likely benign for Inborn genetic diseases. Last evaluated: 2025-11-03. Review status: criteria provided, single submitter. Criteria: Ambry Variant Classification Scheme 2023. Collection method: clinical testing. Allele origin: germline.

Labcorp Genetics (formerly Invitae), Labcorp
Classification: Likely benign. Last evaluated: 2025-10-07. Review status: criteria provided, single submitter. Criteria: Invitae Variant Classification Sherloc (09022015). Collection method: clinical testing. Allele origin: germline.

GeneDx
Classification: Uncertain significance. Last evaluated: 2022-06-10. Review status: criteria provided, single submitter. Criteria: GeneDx Variant Classification Process June 2021. Collection method: clinical testing. Allele origin: germline. Affected: yes.
Comment: In silico analysis supports that this missense variant has a deleterious effect on protein structure/function; Has not been previously published as pathogenic or benign to our knowledge